The following is an entry in ClinVar:

ClinVar aggregate classification (germline): Uncertain significance (1 of 4 stars; one submission).

Conditions:
Spastic paraplegia. Identifiers: MedGen C0037772, HP:0001258.

Submission:

Labcorp Genetics (formerly Invitae), Labcorp
Classification: Uncertain significance for Spastic paraplegia. Last evaluated: 2020-12-30. Review status: criteria provided, single submitter. Criteria: Invitae Variant Classification Sherloc (09022015). Collection method: clinical testing. Allele origin: germline.
Comment: This sequence change replaces lysine with glutamic acid at codon 241 of the AP4E1 protein (p.Lys241Glu). The lysine residue is highly conserved and there is a small physicochemical difference between lysine and glutamic acid. In summary, the available evidence is currently insufficient to determine the role of this variant in disease. Therefore, it has been classified as a Variant of Uncertain Significance. Algorithms developed to predict the effect of missense changes on protein structure and function are either unavailable or do not agree on the potential impact of this missense change (SIFT: "Deleterious"; PolyPhen-2: "Possibly Damaging"; Align-GVGD: "Class C0"). This variant has not been reported in the literature in individuals with AP4E1-related conditions. This variant is not present in population databases (ExAC no frequency).

NM_007347.5(AP4E1):c.721A>G (p.Lys241Glu)

Gene: AP4E1 (adaptor related protein complex 4 subunit epsilon 1; plus strand). Cytogenetic location: 15q21.2.
Variant type: single nucleotide variant.
Coding change: c.721A>G on transcript NM_007347.5 (MANE Select); coding-DNA position 721, A replaced by G.
Protein change: p.Lys241Glu; replaces lysine 241 with glutamic acid.
Molecular consequence: missense variant.
Genome position (GRCh38, 1-based): chr15:50,930,823, A>G. VCF-style: chr15-50930823-A-G. GRCh37 (hg19) VCF-style: chr15-51223020-A-G.
Other names: c.496A>G, p.Lys166Glu (NM_001252127.2); short protein forms K166E, K241E.
Identifiers: ClinVar variation 1516683 (VCV001516683.8), dbSNP rs2141157729, ClinGen allele CA392416029.